The following is an entry in ClinVar:

NM_000059.4(BRCA2):c.6060A>T (p.Glu2020Asp)

Gene: BRCA2 (BRCA2 DNA repair associated; plus strand). Cytogenetic location: 13q13.1.
Variant type: single nucleotide variant.
Coding change: c.6060A>T on transcript NM_000059.4 (MANE Select); coding-DNA position 6060, A replaced by T.
Protein change: p.Glu2020Asp; replaces glutamic acid 2020 with aspartic acid.
Molecular consequence: missense variant. On other transcripts: non-coding transcript variant (1), intron variant (2).
Genome position (GRCh38, 1-based): chr13:32,340,415, A>T. VCF-style: chr13-32340415-A-T. GRCh37 (hg19) VCF-style: chr13-32914552-A-T.
Other names: c.6060A>T, p.Glu2020Asp (NM_001406719.1, NM_001406720.1, NM_001432077.1); c.1910-4143A>T (NM_001406721.1); c.425-4143A>T (NM_001406722.1); short protein forms E2020D.
Identifiers: ClinVar variation 4629406 (VCV004629406.1).
Genomic context (GRCh38, chr13:32,340,415, plus strand): 5'-TTCTGAAATAGAAGATAGTACCAAGCAAGTCTTTTCCAAAGTATTGTTTAAAAGTAACGA[A>T]CATTCAGACCAGCTCACAAGAGAAGAAAATACTGCTATACGTACTCCAGAACATTTAATA-3'
Protein context (NP_000050.3, residues 2010-2030): VFSKVLFKSN[Glu2020Asp]HSDQLTREEN

ClinVar aggregate classification (germline): Uncertain significance (1 of 4 stars; one submission).

Conditions:
Hereditary cancer-predisposing syndrome. Also called: Neoplastic Syndromes, Hereditary; Tumor predisposition; Hereditary Cancer Syndrome; Hereditary neoplastic syndrome. Identifiers: Orphanet 140162, MedGen C0027672, MeSH D009386, MONDO:0015356.

Submission:

Ambry Genetics
Classification: Uncertain significance for Hereditary cancer-predisposing syndrome. Last evaluated: 2025-11-28. Review status: criteria provided, single submitter. Criteria: Ambry Variant Classification Scheme 2023. Collection method: clinical testing. Allele origin: germline.
Comment: The p.E2020D variant (also known as c.6060A>T), located in coding exon 10 of the BRCA2 gene, results from an A to T substitution at nucleotide position 6060. The glutamic acid at codon 2020 is replaced by aspartic acid, an amino acid with highly similar properties. This amino acid position is conserved. In addition, this alteration is predicted to be tolerated by in silico analysis. Based on the available evidence, the clinical significance of this variant remains unclear.